The following is an entry in ClinVar:

NM_000726.5(CACNB4):c.1198C>T (p.Arg400Cys)

Gene: CACNB4 (calcium voltage-gated channel auxiliary subunit beta 4; minus strand). Cytogenetic location: 2q23.3.
Variant type: single nucleotide variant.
Coding change: c.1198C>T on transcript NM_000726.5 (MANE Select); coding-DNA position 1198, C replaced by T.
Protein change: p.Arg400Cys; replaces arginine 400 with cysteine.
Molecular consequence: missense variant. On other transcripts: intron variant (1).
Genome position (GRCh38, 1-based): chr2:151,842,007, G>A on the plus strand (C>T on the coding strand, the complement: CACNB4 is on the minus strand). VCF-style: chr2-151842007-G-A. GRCh37 (hg19) VCF-style: chr2-152698521-G-A.
Other names: c.1144C>T, p.Arg382Cys (NM_001005746.4); c.1096C>T, p.Arg366Cys (NM_001005747.4); c.1057C>T, p.Arg353Cys (NM_001320722.3, NM_001330118.2); c.955C>T, p.Arg319Cys (NM_001330113.2); c.544C>T, p.Arg182Cys (NM_001330114.2); c.907C>T, p.Arg303Cys (NM_001330115.2); c.868C>T, p.Arg290Cys (NM_001330116.2); c.640C>T, p.Arg214Cys (NM_001330117.2); and 1 more; short protein forms R400C, R182C, R303C, R366C, R382C, R290C, R319C, R214C.
Identifiers: ClinVar variation 411155 (VCV000411155.6), dbSNP rs1060503174, ClinGen allele CA16610142.
Genomic context (GRCh38, chr2:151,842,007, plus strand): 5'-AGCCCAAATTCCTTCCCAGCAGCGGGGTCATGGGTGTGCTACTGGTTGTGTGGGTGGCAC[G>A]CCAGTACGCCTCCAGGTACTCCCCTAGATGTTCACATGCATCCTCAAGCTGATTTTCATC-3'
Protein context (NP_000717.2, residues 390-410): HLGEYLEAYW[Arg400Cys]ATHTTSSTPM

ClinVar aggregate classification (germline): Uncertain significance (1 of 4 stars; one submission).

Conditions:
Idiopathic generalized epilepsy. Also called: EIG; Generalised epilepsy. Identifiers: MedGen C0270850, MONDO:0005579, OMIM 600669.

Allele frequency attached by ClinVar (database versions not stated): gnomAD exomes 0.00001.

Submission:

Labcorp Genetics (formerly Invitae), Labcorp
Classification: Uncertain significance for Idiopathic generalized epilepsy. Last evaluated: 2022-11-22. Review status: criteria provided, single submitter. Criteria: Invitae Variant Classification Sherloc (09022015). Collection method: clinical testing. Allele origin: germline.
Comment: In summary, the available evidence is currently insufficient to determine the role of this variant in disease. Therefore, it has been classified as a Variant of Uncertain Significance. Algorithms developed to predict the effect of missense changes on protein structure and function are either unavailable or do not agree on the potential impact of this missense change (SIFT: "Deleterious"; PolyPhen-2: "Possibly Damaging"; Align-GVGD: "Class C0"). ClinVar contains an entry for this variant (Variation ID: 411155). This variant has not been reported in the literature in individuals affected with CACNB4-related conditions. This variant is not present in population databases (gnomAD no frequency). This sequence change replaces arginine, which is basic and polar, with cysteine, which is neutral and slightly polar, at codon 400 of the CACNB4 protein (p.Arg400Cys).